The following is an entry in ClinVar:

NM_016341.4(PLCE1):c.6696C>G (p.Ile2232Met)

Genes: PLCE1 (phospholipase C epsilon 1; plus strand), NOC3L (NOC3 like DNA replication regulator; minus strand). Cytogenetic location: 10q23.33.
Variant type: single nucleotide variant.
Coding change: c.6696C>G on transcript NM_016341.4 (MANE Select); coding-DNA position 6696, C replaced by G.
Protein change: p.Ile2232Met; replaces isoleucine 2232 with methionine.
Molecular consequence: missense variant.
Genome position (GRCh38, 1-based): chr10:94,324,543, C>G. VCF-style: chr10-94324543-C-G. GRCh37 (hg19) VCF-style: chr10-96084300-C-G.
Other names: c.5772C>G, p.Ile1924Met (NM_001165979.2); c.6648C>G, p.Ile2216Met (NM_001288989.2); short protein forms I2216M, I1924M, I2232M.
Identifiers: ClinVar variation 2110750 (VCV002110750.4), dbSNP rs1363563143, ClinGen allele CA377650140.
Genomic context (GRCh38, chr10:94,324,543, plus strand): 5'-TCTGGATCAGGAGTGTGTGTTTCAAGCCCAAAGCAAGTGGAAAGGTGCAGGAAAATTCAT[C>G]CTTAAGCTAAAGGAGCAGGTGCAGGTAAAGTTTAAAGTTATTTTGCTCTGTTCTTAAGTT-3'
Protein context (NP_057425.3, residues 2222-2242): QSKWKGAGKF[Ile2232Met]LKLKEQVQAS

ClinVar aggregate classification (germline): Uncertain significance (1 of 4 stars; one submission).

Submission:

Labcorp Genetics (formerly Invitae), Labcorp
Classification: Uncertain significance. Last evaluated: 2022-03-13. Review status: criteria provided, single submitter. Criteria: Invitae Variant Classification Sherloc (09022015). Collection method: clinical testing. Allele origin: germline.
Comment: In summary, the available evidence is currently insufficient to determine the role of this variant in disease. Therefore, it has been classified as a Variant of Uncertain Significance. Algorithms developed to predict the effect of missense changes on protein structure and function are either unavailable or do not agree on the potential impact of this missense change (SIFT: "Deleterious"; PolyPhen-2: "Probably Damaging"; Align-GVGD: "Class C0"). This variant has not been reported in the literature in individuals affected with PLCE1-related conditions. This variant is present in population databases (no rsID available, gnomAD 0.0009%). This sequence change replaces isoleucine, which is neutral and non-polar, with methionine, which is neutral and non-polar, at codon 2232 of the PLCE1 protein (p.Ile2232Met).